The following is an entry in ClinVar:

ClinVar aggregate classification (germline): Uncertain significance (1 of 4 stars; one submission).

Conditions:
PLXNA1-related disorder. Also called: PLXNA1-related condition.

Submission:

PreventionGenetics, part of Exact Sciences
Classification: Uncertain significance for PLXNA1-related condition. Last evaluated: 2025-01-19. Review status: criteria provided, single submitter. Criteria: ACMG Guidelines, 2015. Collection method: clinical testing. Allele origin: germline.
Comment: The PLXNA1 c.4330T>C variant is predicted to result in the amino acid substitution p.Trp1444Arg. To our knowledge, this variant has not been reported in the literature or in a large population database (gnomAD), indicating this variant is rare. At this time, the clinical significance of this variant is uncertain due to the absence of conclusive functional and genetic evidence.

NM_032242.4(PLXNA1):c.4330T>C (p.Trp1444Arg)

Gene: PLXNA1 (plexin A1; plus strand). Cytogenetic location: 3q21.3.
Variant type: single nucleotide variant.
Coding change: c.4330T>C on transcript NM_032242.4 (MANE Select); coding-DNA position 4330, T replaced by C.
Protein change: p.Trp1444Arg; replaces tryptophan 1444 with arginine.
Molecular consequence: missense variant.
Genome position (GRCh38, 1-based): chr3:127,022,786, T>C. VCF-style: chr3-127022786-T-C. GRCh37 (hg19) VCF-style: chr3-126741629-T-C.
Other names: short protein forms W1444R.
Identifiers: ClinVar variation 4999443 (VCV004999443.1).